The following is an entry in ClinVar:

NM_017849.4(TMEM127):c.389C>A (p.Ala130Asp)

Gene: TMEM127 (transmembrane protein 127; minus strand). Cytogenetic location: 2q11.2.
Variant type: single nucleotide variant.
Coding change: c.389C>A on transcript NM_017849.4 (MANE Select); coding-DNA position 389, C replaced by A.
Protein change: p.Ala130Asp; replaces alanine 130 with aspartic acid.
Molecular consequence: missense variant.
Genome position (GRCh38, 1-based): chr2:96,254,853, G>T on the plus strand (C>A on the coding strand, the complement: TMEM127 is on the minus strand). VCF-style: chr2-96254853-G-T. GRCh37 (hg19) VCF-style: chr2-96920591-G-T.
Other names: c.389C>A, p.Ala130Asp (NM_001193304.3); c.137C>A, p.Ala46Asp (NM_001407282.1, NM_001407283.1); short protein forms A130D, A46D.
Identifiers: ClinVar variation 2711663 (VCV002711663.3), dbSNP rs2104286993, ClinGen allele CA347653289.

ClinVar aggregate classification (germline): Uncertain significance (1 of 4 stars; one submission).

Conditions:
Hereditary pheochromocytoma and paraganglioma. Also called: Hereditary Paraganglioma-Pheochromocytoma Syndromes; Hereditary pheochromocytoma-paraganglioma; Hereditary paragangliomas and pheochromocytomas. Identifiers: Orphanet 29072, MedGen C4274332, MONDO:0017366.

Submission:

Labcorp Genetics (formerly Invitae), Labcorp
Classification: Uncertain significance for Hereditary pheochromocytoma and paraganglioma. Last evaluated: 2025-11-03. Review status: criteria provided, single submitter. Criteria: Invitae Variant Classification Sherloc (09022015). Collection method: clinical testing. Allele origin: germline.
Comment: This sequence change replaces alanine, which is neutral and non-polar, with aspartic acid, which is acidic and polar, at codon 130 of the TMEM127 protein (p.Ala130Asp). This variant is not present in population databases (gnomAD no frequency). This variant has not been reported in the literature in individuals affected with TMEM127-related conditions. ClinVar contains an entry for this variant (Variation ID: 2711663). An algorithm developed to predict the effect of missense changes on protein structure and function (PolyPhen-2) suggests that this variant is likely to be disruptive. In summary, the available evidence is currently insufficient to determine the role of this variant in disease. Therefore, it has been classified as a Variant of Uncertain Significance.